The following is an entry in ClinVar:

NM_005614.4(RHEB):c.5C>T (p.Pro2Leu)

Gene: RHEB (Ras homolog, mTORC1 binding; minus strand). Cytogenetic location: 7q36.1.
Variant type: single nucleotide variant.
Coding change: c.5C>T on transcript NM_005614.4 (MANE Select); coding-DNA position 5, C replaced by T.
Protein change: p.Pro2Leu; replaces proline 2 with leucine.
Molecular consequence: missense variant.
Genome position (GRCh38, 1-based): chr7:151,519,507, G>A on the plus strand (C>T on the coding strand, the complement: RHEB is on the minus strand). VCF-style: chr7-151519507-G-A. GRCh37 (hg19) VCF-style: chr7-151216593-G-A.
Other names: short protein forms P2L.
Identifiers: ClinVar variation 3343408 (VCV003343408.1).

ClinVar aggregate classification (germline): Uncertain significance (1 of 4 stars; one submission).

gnomAD v4.1: 1 of 1,554,346 alleles (0.000064%); highest among the groups gnomAD compares: Non-Finnish European, 0.000087%; no homozygotes.

Submission:

GeneDx
Classification: Uncertain significance. Last evaluated: 2023-05-08. Review status: criteria provided, single submitter. Criteria: GeneDx Variant Classification Process June 2021. Collection method: clinical testing. Allele origin: germline. Affected: yes.
Comment: Not observed at significant frequency in large population cohorts (gnomAD); In silico analysis supports that this missense variant has a deleterious effect on protein structure/function; Has not been previously published as pathogenic or benign to our knowledge